The following is an entry in ClinVar:

NM_000059.4(BRCA2):c.8821del (p.Gln2941fs)

Gene: BRCA2 (BRCA2 DNA repair associated; plus strand). Cytogenetic location: 13q13.1.
Variant type: Deletion.
Coding change: c.8821del on transcript NM_000059.4 (MANE Select); coding-DNA position 8821, one base deleted (C; older notation c.8821delC).
Protein change: p.Gln2941fs; shifts the reading frame from glutamine 2941.
Molecular consequence: frameshift variant. On other transcripts: non-coding transcript variant (1).
Genome position (GRCh38, 1-based): chr13:32,379,383, C deleted. VCF-style (leftmost placement, unchanged base first): chr13-32379382-AC-A. GRCh37 (hg19) VCF-style: chr13-32953519-AC-A.
Other names: c.8725del, p.Gln2909fs (NM_001406719.1); c.8821del, p.Gln2941fs (NM_001406720.1); c.3889del, p.Gln1297fs (NM_001406721.1); c.2404del, p.Gln802fs (NM_001406722.1); short protein forms Q802fs, Q2941fs, Q1297fs, Q2909fs.
Identifiers: ClinVar variation 3148685 (VCV003148685.1), dbSNP rs2548555054, ClinGen allele CA2825002163.

ClinVar aggregate classification (germline): Pathogenic (1 of 4 stars; one submission).

Conditions:
Breast-ovarian cancer, familial, susceptibility to, 2 (BROVCA2). Also called: BRCA2 Hereditary Breast and Ovarian Cancer. Identifiers: Orphanet 145, MedGen C2675520, MONDO:0012933, OMIM 612555. Disease mechanism: loss of function.

Submission:

Myriad Genetics, Inc.
Classification: Pathogenic for Breast-ovarian cancer, familial, susceptibility to, 2. Last evaluated: 2024-01-24. Review status: criteria provided, single submitter. Criteria: Myriad Autosomal Dominant, Autosomal Recessive and X-Linked Classification Criteria (2023). Collection method: clinical testing. Allele origin: unknown.
Comment: This variant is considered pathogenic. This variant creates a frameshift predicted to result in premature protein truncation.